The following is an entry in ClinVar:

NM_015158.5(KANK1):c.2980C>T (p.Leu994Phe)

Gene: KANK1 (KN motif and ankyrin repeat domains 1; plus strand). Cytogenetic location: 9p24.3.
Variant type: single nucleotide variant.
Coding change: c.2980C>T on transcript NM_015158.5 (MANE Select); coding-DNA position 2980, C replaced by T.
Protein change: p.Leu994Phe; replaces leucine 994 with phenylalanine.
Molecular consequence: missense variant. On other transcripts: non-coding transcript variant (1).
Genome position (GRCh38, 1-based): chr9:731,241, C>T. VCF-style: chr9-731241-C-T. GRCh37 (hg19) VCF-style: chr9-731241-C-T.
Other names: c.2506C>T, p.Leu836Phe (NM_001354341.2, NM_001354342.2, NM_001354343.2 and 5 more transcripts); c.2452C>T, p.Leu818Phe (NM_001354344.2, NM_001354336.2, NM_001354338.2 and 1 more transcripts); c.2980C>T, p.Leu994Phe (NM_001256876.3, NM_001256877.3, NM_001354331.2 and 1 more transcripts); c.2926C>T, p.Leu976Phe (NM_001354332.2); short protein forms L994F, L818F, L836F, L976F.
Identifiers: ClinVar variation 2892790 (VCV002892790.3), dbSNP rs753554829, ClinGen allele CA4960712.
Genomic context (GRCh38, chr9:731,241, plus strand): 5'-CTGAAGTCCATCATGAAGAAGAAAGATGGTAACAAAGATTCAAATGGCGCAAAAAAGAAT[C>T]TTCAGTTTGTTGGCATTAATGGAGGGTAAGGAAAGATGGTGGTTCTAGAGGCTAATGCTG-3'
Protein context (NP_055973.2, residues 984-1004): NKDSNGAKKN[Leu994Phe]QFVGINGGYE

ClinVar aggregate classification (germline): Uncertain significance (1 of 4 stars; one submission).

Allele frequency attached by ClinVar (database versions not stated): ExAC 0.00002; gnomAD 0.00002; TOPMed 0.00002; gnomAD exomes 0.00003.
gnomAD v4.1: 40 of 1,607,518 alleles (0.0025%); highest among the groups gnomAD compares: African/African-American, 0.004%; no homozygotes.

Submission:

Labcorp Genetics (formerly Invitae), Labcorp
Classification: Uncertain significance. Last evaluated: 2023-02-24. Review status: criteria provided, single submitter. Criteria: Invitae Variant Classification Sherloc (09022015). Collection method: clinical testing. Allele origin: germline.
Comment: In summary, the available evidence is currently insufficient to determine the role of this variant in disease. Therefore, it has been classified as a Variant of Uncertain Significance. Algorithms developed to predict the effect of sequence changes on RNA splicing suggest that this variant may disrupt the consensus splice site. Advanced modeling of protein sequence and biophysical properties (such as structural, functional, and spatial information, amino acid conservation, physicochemical variation, residue mobility, and thermodynamic stability) performed at Invitae indicates that this missense variant is expected to disrupt KANK1 protein function. This variant has not been reported in the literature in individuals affected with KANK1-related conditions. This variant is present in population databases (rs753554829, gnomAD 0.008%). This sequence change replaces leucine, which is neutral and non-polar, with phenylalanine, which is neutral and non-polar, at codon 994 of the KANK1 protein (p.Leu994Phe).